The following is an entry in ClinVar:

ClinVar aggregate classification (germline): Uncertain significance. Review status: criteria provided, multiple submitters, no conflicts (2 of 4 stars). 2 submissions from 2 submitters: Uncertain significance (2). Last evaluated 2024-07-09.

Conditions:
Intellectual disability, autosomal recessive 42 (NEDDSBA). Also called: Neurodevelopmental disorder with dysmorphic features, spasticity, and brain abnormalities; GLYCOSYLPHOSPHATIDYLINOSITOL BIOSYNTHESIS DEFECT 9. Identifiers: Orphanet 88616, MedGen C4014343, MONDO:0014348, OMIM 615802.
Inborn genetic diseases. Identifiers: MedGen C0950123, MeSH D030342.

Allele frequency attached by ClinVar (database versions not stated): TOPMed below 0.00001; gnomAD 0.00002.
gnomAD v4.1: 14 of 1,601,552 alleles (0.00087%); highest among the groups gnomAD compares: African/African-American, 0.0027%; no homozygotes.

Submissions (2):

Ambry Genetics
Classification: Uncertain significance for Inborn genetic diseases. Last evaluated: 2024-07-09. Review status: criteria provided, single submitter. Criteria: Ambry Variant Classification Scheme 2023. Collection method: clinical testing. Allele origin: germline.

Labcorp Genetics (formerly Invitae), Labcorp
Classification: Uncertain significance for Intellectual disability, autosomal recessive 42. Last evaluated: 2022-11-28. Review status: criteria provided, single submitter. Criteria: Invitae Variant Classification Sherloc (09022015). Collection method: clinical testing. Allele origin: germline.
Comment: This variant is present in population databases (no rsID available, gnomAD 0.002%). In summary, the available evidence is currently insufficient to determine the role of this variant in disease. Therefore, it has been classified as a Variant of Uncertain Significance. Algorithms developed to predict the effect of missense changes on protein structure and function (SIFT, PolyPhen-2, Align-GVGD) all suggest that this variant is likely to be tolerated. ClinVar contains an entry for this variant (Variation ID: 1008940). This variant has not been reported in the literature in individuals affected with PGAP1-related conditions. This sequence change replaces glycine, which is neutral and non-polar, with aspartic acid, which is acidic and polar, at codon 160 of the PGAP1 protein (p.Gly160Asp).

NM_024989.4(PGAP1):c.479G>A (p.Gly160Asp)

Gene: PGAP1 (post-GPI attachment to proteins inositol deacylase 1; minus strand). Cytogenetic location: 2q33.1.
Variant type: single nucleotide variant.
Coding change: c.479G>A on transcript NM_024989.4 (MANE Select); coding-DNA position 479, G replaced by A.
Protein change: p.Gly160Asp; replaces glycine 160 with aspartic acid.
Molecular consequence: missense variant. On other transcripts: 5 prime UTR variant (2).
Genome position (GRCh38, 1-based): chr2:196,913,052, C>T on the plus strand (G>A on the coding strand, the complement: PGAP1 is on the minus strand). VCF-style: chr2-196913052-C-T. GRCh37 (hg19) VCF-style: chr2-197777776-C-T.
Other names: c.-44G>A (NM_001321099.2); c.-633G>A (NM_001321100.2); c.479G>A (NM_024989.3); short protein forms G160D.
Identifiers: ClinVar variation 1008940 (VCV001008940.8), dbSNP rs771798393, ClinGen allele CA350179984.